The following is an entry in ClinVar:

ClinVar aggregate classification (germline): Uncertain significance. Review status: criteria provided, multiple submitters, no conflicts (2 of 4 stars). 2 submissions from 2 submitters: Uncertain significance (2). Last evaluated 2024-01-10.

Conditions:
Hereditary cancer-predisposing syndrome. Also called: Hereditary Cancer Syndrome; Tumor predisposition; Neoplastic Syndromes, Hereditary; Hereditary neoplastic syndrome. Identifiers: Orphanet 140162, MedGen C0027672, MeSH D009386, MONDO:0015356.
Tuberous sclerosis 1 (TSC1). Identifiers: Orphanet 805, MedGen C1854465, MONDO:0008612, OMIM 191100.

Submissions (2):

Labcorp Genetics (formerly Invitae), Labcorp
Classification: Uncertain significance for Tuberous sclerosis 1. Last evaluated: 2024-01-10. Review status: criteria provided, single submitter. Criteria: Invitae Variant Classification Sherloc (09022015). Collection method: clinical testing. Allele origin: germline.
Comment: This sequence change replaces proline, which is neutral and non-polar, with alanine, which is neutral and non-polar, at codon 39 of the TSC1 protein (p.Pro39Ala). This variant is not present in population databases (gnomAD no frequency). This variant has not been reported in the literature in individuals affected with TSC1-related conditions. ClinVar contains an entry for this variant (Variation ID: 652311). Advanced modeling of protein sequence and biophysical properties (such as structural, functional, and spatial information, amino acid conservation, physicochemical variation, residue mobility, and thermodynamic stability) performed at Invitae indicates that this missense variant is not expected to disrupt TSC1 protein function with a negative predictive value of 95%. In summary, the available evidence is currently insufficient to determine the role of this variant in disease. Therefore, it has been classified as a Variant of Uncertain Significance.

Ambry Genetics
Classification: Uncertain significance for Hereditary cancer-predisposing syndrome. Last evaluated: 2023-02-09. Review status: criteria provided, single submitter. Criteria: Ambry Variant Classification Scheme 2023. Collection method: clinical testing. Allele origin: germline.
Comment: The p.P39A variant (also known as c.115C>G), located in coding exon 2 of the TSC1 gene, results from a C to G substitution at nucleotide position 115. The proline at codon 39 is replaced by alanine, an amino acid with highly similar properties. This amino acid position is conserved. In addition, the in silico prediction for this alteration is inconclusive. Since supporting evidence is limited at this time, the clinical significance of this alteration remains unclear.

NM_000368.5(TSC1):c.115C>G (p.Pro39Ala)

Gene: TSC1 (TSC complex subunit 1; minus strand). Cytogenetic location: 9q34.13.
Variant type: single nucleotide variant.
Coding change: c.115C>G on transcript NM_000368.5 (MANE Select); coding-DNA position 115, C replaced by G.
Protein change: p.Pro39Ala; replaces proline 39 with alanine.
Molecular consequence: missense variant. On other transcripts: intron variant (1).
Genome position (GRCh38, 1-based): chr9:132,927,296, G>C on the plus strand (C>G on the coding strand, the complement: TSC1 is on the minus strand). VCF-style: chr9-132927296-G-C. GRCh37 (hg19) VCF-style: chr9-135802683-G-C.
Other names: c.115C>G, p.Pro39Ala (NM_001162426.2, NM_001162427.2); c.-154+1471C>G (NM_001362177.2); short protein forms P39A.
Identifiers: ClinVar variation 652311 (VCV000652311.11), dbSNP rs1588359851, ClinGen allele CA375375225.